The following is an entry in ClinVar:

ClinVar aggregate classification (germline): Uncertain significance (1 of 4 stars; one submission).

Submission:

GeneDx
Classification: Uncertain significance. Last evaluated: 2023-05-26. Review status: criteria provided, single submitter. Criteria: GeneDx Variant Classification Process June 2021. Collection method: clinical testing. Allele origin: germline. Affected: yes.
Comment: Not observed at significant frequency in large population cohorts (gnomAD); In silico analysis supports that this missense variant has a deleterious effect on protein structure/function; Has not been previously published as pathogenic or benign to our knowledge

NM_001367873.1(SOX6):c.2449A>T (p.Ser817Cys)

Gene: SOX6 (SRY-box transcription factor 6; minus strand). Cytogenetic location: 11p15.2.
Variant type: single nucleotide variant.
Coding change: c.2449A>T on transcript NM_001367873.1 (MANE Select); coding-DNA position 2449, A replaced by T.
Protein change: p.Ser817Cys; replaces serine 817 with cysteine.
Molecular consequence: missense variant.
Genome position (GRCh38, 1-based): chr11:15,972,847, T>A on the plus strand (A>T on the coding strand, the complement: SOX6 is on the minus strand). VCF-style: chr11-15972847-T-A. GRCh37 (hg19) VCF-style: chr11-15994393-T-A.
Other names: c.2368A>T, p.Ser790Cys (NM_001145811.2, NM_017508.3); c.2449A>T, p.Ser817Cys (NM_001145819.2); c.2326A>T, p.Ser776Cys (NM_001367872.1); c.2389A>T, p.Ser797Cys (NM_033326.3); short protein forms S776C, S790C, S797C, S817C.
Identifiers: ClinVar variation 3362113 (VCV003362113.1).